The following is an entry in ClinVar:

ClinVar aggregate classification (germline): Uncertain significance (1 of 4 stars; one submission).

Conditions:
Developmental and epileptic encephalopathy, 31A. Also called: Developmental and epileptic encephalopathy, 31; Epileptic encephalopathy, early infantile, 31. Identifiers: Orphanet 2382, MedGen C4225357, MONDO:0014598, OMIM 616346.

Submission:

Labcorp Genetics (formerly Invitae), Labcorp
Classification: Uncertain significance for Developmental and epileptic encephalopathy, 31A. Last evaluated: 2024-10-30. Review status: criteria provided, single submitter. Criteria: Invitae Variant Classification Sherloc (09022015). Collection method: clinical testing. Allele origin: germline.
Comment: This sequence change replaces serine, which is neutral and polar, with phenylalanine, which is neutral and non-polar, at codon 551 of the DNM1 protein (p.Ser551Phe). This variant is not present in population databases (gnomAD no frequency). This variant has not been reported in the literature in individuals affected with DNM1-related conditions. Invitae Evidence Modeling of protein sequence and biophysical properties (such as structural, functional, and spatial information, amino acid conservation, physicochemical variation, residue mobility, and thermodynamic stability) has been performed for this missense variant. However, the output from this modeling did not meet the statistical confidence thresholds required to predict the impact of this variant on DNM1 protein function. In summary, the available evidence is currently insufficient to determine the role of this variant in disease. Therefore, it has been classified as a Variant of Uncertain Significance.

NM_004408.4(DNM1):c.1652C>T (p.Ser551Phe)

Gene: DNM1 (dynamin 1; plus strand). Cytogenetic location: 9q34.11.
Variant type: single nucleotide variant.
Coding change: c.1652C>T on transcript NM_004408.4 (MANE Select); coding-DNA position 1652, C replaced by T.
Protein change: p.Ser551Phe; replaces serine 551 with phenylalanine.
Molecular consequence: missense variant.
Genome position (GRCh38, 1-based): chr9:128,242,326, C>T. VCF-style: chr9-128242326-C-T. GRCh37 (hg19) VCF-style: chr9-131004605-C-T.
Other names: c.1652C>T, p.Ser551Phe (NM_001005336.3, NM_001288737.2, NM_001288738.2 and 2 more transcripts); short protein forms S551F.
Identifiers: ClinVar variation 3719440 (VCV003719440.2).